The following is an entry in ClinVar:

ClinVar aggregate classification (germline): Conflicting classifications of pathogenicity. Review status: criteria provided, conflicting classifications (1 of 4 stars). 5 submissions from 5 submitters: Uncertain significance (1); Likely benign (3). 1 of the submissions does not count toward it. Last evaluated 2026-02-03.

Conditions:
Cardiomyopathy (CMYO). Also called: Cardiomyopathies. Identifiers: Orphanet 167848, MedGen C0878544, MONDO:0004994, HP:0001638. Inheritance: Various modes of inheritance.
Duchenne muscular dystrophy (DMD). Also called: MUSCULAR DYSTROPHY, PSEUDOHYPERTROPHIC PROGRESSIVE, DUCHENNE TYPE; Duchenne Muscular Dystrophy (DMD). Identifiers: Orphanet 98896, MedGen C0013264, MONDO:0010679, OMIM 310200.
Becker muscular dystrophy (BMD). Also called: Becker Muscular Dystrophy (BMD); MUSCULAR DYSTROPHY, PSEUDOHYPERTROPHIC PROGRESSIVE, BECKER TYPE. Identifiers: Orphanet 98895, MedGen C0917713, MONDO:0010311, OMIM 300376.
Dystrophin deficiency.

Allele frequency attached by ClinVar (database versions not stated): gnomAD 0.00001 and 0.00002; gnomAD exomes 0.00002 and 0.00007; TOPMed 0.00002; ExAC 0.00008.
gnomAD v4.1: 30 of 1,209,623 alleles (0.0025%); highest among the groups gnomAD compares: South Asian, 0.0053%; no homozygotes.

Submissions (5):

Labcorp Genetics (formerly Invitae), Labcorp
Classification: Likely benign for Duchenne muscular dystrophy. Last evaluated: 2026-02-03. Review status: criteria provided, single submitter. Criteria: Invitae Variant Classification Sherloc (09022015). Collection method: clinical testing. Allele origin: germline.

Laboratory of Genetics, Children's Clinical University Hospital Latvia
Classification: Likely benign. Last evaluated: 2025-02-16. Review status: criteria provided, single submitter. Criteria: ACMG Guidelines, 2015. Collection method: clinical testing. Allele origin: germline. Affected: yes.

GeneDx
Classification: Likely benign. Last evaluated: 2017-02-16. Review status: criteria provided, single submitter. Criteria: GeneDx Variant Classification (06012015). Collection method: clinical testing. Allele origin: germline. Affected: yes.
Comment: This variant is considered likely benign or benign based on one or more of the following criteria: it is a conservative change, it occurs at a poorly conserved position in the protein, it is predicted to be benign by multiple in silico algorithms, and/or has population frequency not consistent with disease.

Eurofins Ntd Llc (ga)
Classification: Uncertain significance. Last evaluated: 2016-07-26. Review status: criteria provided, single submitter. Criteria: EGL Classification Definitions 2015. Collection method: clinical testing. Allele origin: germline. Observed: 2 variant alleles, 1 heterozygote, 1 hemizygote.

Natera, Inc.
Classification: Likely benign for Becker muscular dystrophy; Cardiomyopathy; Duchenne muscular dystrophy; Dystrophin deficiency. Last evaluated: 2019-07-25. Review status: no assertion criteria provided. Collection method: clinical testing. Allele origin: germline. Not counted in ClinVar's aggregate classification.

NM_004006.3(DMD):c.8147A>G (p.Gln2716Arg)

Gene: DMD (dystrophin; minus strand). Cytogenetic location: Xp21.1.
Variant type: single nucleotide variant.
Coding change: c.8147A>G on transcript NM_004006.3 (MANE Select); coding-DNA position 8147, A replaced by G.
Protein change: p.Gln2716Arg; replaces glutamine 2716 with arginine.
Molecular consequence: missense variant.
Genome position (GRCh38, 1-based): chrX:31,627,743, T>C on the plus strand (A>G on the coding strand, the complement: DMD is on the minus strand). VCF-style: chrX-31627743-T-C. GRCh37 (hg19) VCF-style: chrX-31645860-T-C.
Other names: c.8123A>G, p.Gln2708Arg (NM_000109.4); c.8135A>G, p.Gln2712Arg (NM_004009.3); c.7778A>G, p.Gln2593Arg (NM_004010.3); c.4124A>G, p.Gln1375Arg (NM_004011.4); c.4115A>G, p.Gln1372Arg (NM_004012.4); c.767A>G, p.Gln256Arg (NM_004013.3, NM_004020.4, NM_004021.3 and 2 more transcripts); short protein forms Q2716R, Q1372R, Q2593R, Q256R, Q2708R, Q1375R, Q2712R.
Identifiers: ClinVar variation 197979 (VCV000197979.17), dbSNP rs750640802, ClinGen allele CA246410.